The following is an entry in ClinVar:

ClinVar aggregate classification (germline): Uncertain significance (1 of 4 stars; one submission).

Conditions:
Epidermolysis bullosa simplex 5B, with muscular dystrophy (EBS5B). Also called: EPIDERMOLYSIS BULLOSA SIMPLEX AND LIMB-GIRDLE MUSCULAR DYSTROPHY; Epidermolysis bullosa simplex with muscular dystrophy. Identifiers: Orphanet 257, MedGen C2931072, MONDO:0009181, OMIM 226670.
Epidermolysis bullosa simplex, Ogna type (EBS5A). Also called: Pidermolysis bullosa simplex 5A, Ogna type; EPIDERMOLYSIS BULLOSA SIMPLEX 5A, OGNA TYPE. Identifiers: Orphanet 79401, MedGen C0432317, MONDO:0007555, OMIM 131950.
Epidermolysis bullosa simplex 5C, with pyloric atresia (EBS5C). Also called: Epidermolysis bullosa simplex with pyloric atresia; PLEC-Related Epidermolysis Bullosa with Pyloric Atresia; PLEC1-Related Epidermolysis Bullosa with Pyloric Atresia. Identifiers: Orphanet 158684, MedGen C2677349, MONDO:0012807, OMIM 612138.
Autosomal recessive limb-girdle muscular dystrophy type 2Q (LGMDR17). Also called: MUSCULAR DYSTROPHY, LIMB-GIRDLE, AUTOSOMAL RECESSIVE 17. Identifiers: Orphanet 254361, MedGen C3150989, MONDO:0013390, OMIM 613723.
Epidermolysis bullosa simplex with nail dystrophy (EBS5D). Identifiers: MedGen C4225309, MONDO:0014661, OMIM 616487.

gnomAD v4.1: 8 of 1,570,266 alleles (0.00051%); highest among the groups gnomAD compares: African/African-American, 0.0081%; no homozygotes.

Submission:

Labcorp Genetics (formerly Invitae), Labcorp
Classification: Uncertain significance for Autosomal recessive limb-girdle muscular dystrophy type 2Q; Epidermolysis bullosa simplex, Ogna type; Epidermolysis bullosa simplex with nail dystrophy; Epidermolysis bullosa simplex 5C, with pyloric atresia; Epidermolysis bullosa simplex 5B, with muscular dystrophy. Last evaluated: 2025-08-22. Review status: criteria provided, single submitter. Criteria: Invitae Variant Classification Sherloc (09022015). Collection method: clinical testing. Allele origin: germline.
Comment: This sequence change replaces isoleucine, which is neutral and non-polar, with valine, which is neutral and non-polar, at codon 1050 of the PLEC protein (p.Ile1050Val). This variant is present in population databases (no rsID available, gnomAD 0.01%). This variant has not been reported in the literature in individuals affected with PLEC-related conditions. Invitae Evidence Modeling of protein sequence and biophysical properties (such as structural, functional, and spatial information, amino acid conservation, physicochemical variation, residue mobility, and thermodynamic stability) has been performed for this missense variant. However, the output from this modeling did not meet the statistical confidence thresholds required to predict the impact of this variant on PLEC protein function. In summary, the available evidence is currently insufficient to determine the role of this variant in disease. Therefore, it has been classified as a Variant of Uncertain Significance.

NM_201384.3(PLEC):c.3067A>G (p.Ile1023Val)

Gene: PLEC (plectin; minus strand). Cytogenetic location: 8q24.3.
Variant type: single nucleotide variant.
Coding change: c.3067A>G on transcript NM_201384.3 (MANE Select); coding-DNA position 3067, A replaced by G.
Protein change: p.Ile1023Val; replaces isoleucine 1023 with valine.
Molecular consequence: missense variant.
Genome position (GRCh38, 1-based): chr8:143,929,428, T>C on the plus strand (A>G on the coding strand, the complement: PLEC is on the minus strand). VCF-style: chr8-143929428-T-C. GRCh37 (hg19) VCF-style: chr8-145003596-T-C.
Other names: c.3148A>G, p.Ile1050Val (NM_000445.5, NM_001410941.1); c.3025A>G, p.Ile1009Val (NM_201378.4); c.3001A>G, p.Ile1001Val (NM_201379.3); c.3478A>G, p.Ile1160Val (NM_201380.4); c.2971A>G, p.Ile991Val (NM_201381.3); c.3067A>G, p.Ile1023Val (NM_201382.4); c.3079A>G, p.Ile1027Val (NM_201383.3); short protein forms I1160V, I991V, I1001V, I1009V, I1023V, I1027V, I1050V.
Identifiers: ClinVar variation 4794174 (VCV004794174.1).